The following is an entry in ClinVar:

ClinVar aggregate classification (germline): Uncertain significance. Review status: criteria provided, multiple submitters, no conflicts (2 of 4 stars). 3 submissions from 3 submitters: Uncertain significance (3). Last evaluated 2025-03-11.

Conditions:
WFS1-related disorder. Identifiers: MedGen CN379391, MONDO:0700293.
Wolfram-like syndrome. Also called: HEARING LOSS, PROGRESSIVE, WITH OPTIC ATROPHY AND/OR IMPAIRED GLUCOSE REGULATION. Identifiers: Orphanet 411590, MedGen C3280358, MONDO:0013673, OMIM 614296.
Cataract 41 (CTRCT41). Also called: CATARACT 41, CONGENITAL NUCLEAR TYPE. Identifiers: Orphanet 91492, Orphanet 98991, Orphanet 98992, Orphanet 98995, MedGen C3805412, MONDO:0007287, OMIM 116400.
Wolfram syndrome 1 (WFS1). Identifiers: Orphanet 3463, MedGen C4551693, MONDO:0009101, OMIM 222300.
Autosomal dominant nonsyndromic hearing loss 6 (LFSNHL). Also called: DEAFNESS, AUTOSOMAL DOMINANT 6; DEAFNESS, AUTOSOMAL DOMINANT 14; DEAFNESS, AUTOSOMAL DOMINANT 38; Autosomal dominant nonsyndromic deafness 6. Identifiers: Orphanet 90635, MedGen C1833021, MONDO:0010963, OMIM 600965.
Type 2 diabetes mellitus. Also called: Type II diabetes mellitus. Identifiers: MedGen C0011860, MeSH D003924, MONDO:0005148, OMIM 125853, HP:0005978.

gnomAD v4.1: 18 of 1,613,950 alleles (0.0011%); highest among the groups gnomAD compares: Non-Finnish European, 0.0015%; no homozygotes.

Submissions (3):

PreventionGenetics, part of Exact Sciences
Classification: Uncertain significance for WFS1-related condition. Last evaluated: 2025-03-11. Review status: criteria provided, single submitter. Criteria: ACMG Guidelines, 2015. Collection method: clinical testing. Allele origin: germline.
Comment: The WFS1 c.1894A>G variant is predicted to result in the amino acid substitution p.Met632Val. To our knowledge, this variant has not been reported in the literature. This variant is reported in 0.00078% of alleles in individuals of European (Non-Finnish) descent in gnomAD. At this time, the clinical significance of this variant is uncertain due to the absence of conclusive functional and genetic evidence.

Fulgent Genetics
Classification: Uncertain significance for Cataract 41; Type 2 diabetes mellitus; Wolfram syndrome 1; Autosomal dominant nonsyndromic hearing loss 6; Wolfram-like syndrome. Last evaluated: 2024-04-25. Review status: criteria provided, single submitter. Criteria: ACMG Guidelines, 2015. Collection method: clinical testing. Allele origin: germline.

Blueprint Genetics
Classification: Uncertain significance. Last evaluated: 2022-05-10. Review status: criteria provided, single submitter. Criteria: ACMG Guidelines, 2015. Collection method: clinical testing. Allele origin: germline.

NM_006005.3(WFS1):c.1894A>G (p.Met632Val)

Gene: WFS1 (wolframin ER transmembrane glycoprotein; plus strand). Cytogenetic location: 4p16.1.
Variant type: single nucleotide variant.
Coding change: c.1894A>G on transcript NM_006005.3 (MANE Select); coding-DNA position 1894, A replaced by G.
Protein change: p.Met632Val; replaces methionine 632 with valine.
Molecular consequence: missense variant.
Genome position (GRCh38, 1-based): chr4:6,301,689, A>G. VCF-style: chr4-6301689-A-G. GRCh37 (hg19) VCF-style: chr4-6303416-A-G.
Other names: c.1894A>G, p.Met632Val (NM_001145853.1); short protein forms M632V.
Identifiers: ClinVar variation 3590720 (VCV003590720.3).